The following is an entry in ClinVar:

ClinVar aggregate classification (germline): Uncertain significance. Review status: criteria provided, multiple submitters, no conflicts (2 of 4 stars). 3 submissions from 3 submitters: Uncertain significance (3). Last evaluated 2024-01-03.

Conditions:
Familial isolated arrhythmogenic right ventricular dysplasia. Identifiers: Orphanet 217656, MedGen C4274968, MONDO:0016342.
Arrhythmogenic right ventricular dysplasia 11. Also called: ARRHYTHMOGENIC RIGHT VENTRICULAR DYSPLASIA, FAMILIAL, 11; Arrhythmogenic Right Ventricular Dysplasia/Cardiomyopathy11; Arrhythmogenic right ventricular dysplasia 11 with mild palmoplantar keratoderma and woolly hair. Identifiers: MedGen C1864850, MONDO:0012506, OMIM 610476.

Submissions (3):

All of Us Research Program, National Institutes of Health
Classification: Uncertain significance for Familial isolated arrhythmogenic right ventricular dysplasia. Last evaluated: 2024-01-03. Review status: criteria provided, single submitter. Criteria: ACMG Guidelines, 2015. Collection method: clinical testing. Allele origin: germline. Inheritance: Autosomal dominant inheritance. Observed: 1 variant allele, 1 heterozygote.
Comment: This missense variant replaces histidine with glutamine at codon 804 of the DSC2 protein. Computational prediction suggests that this variant may not impact protein structure and function (internally defined REVEL score threshold <= 0.5, PMID: 27666373). To our knowledge, functional studies have not been reported for this variant. This variant has not been reported in individuals affected with DSC2-related disorders in the literature. This variant has not been identified in the general population by the Genome Aggregation Database (gnomAD). The available evidence is insufficient to determine the role of this variant in disease conclusively. Therefore, this variant is classified as a Variant of Uncertain Significance.

This study involves interpretation of variants in research participants for the purpose of population health screening. Participant phenotype was not available at the time of variant classification. Additional details can be found in publication PMID: 35346344, PMCID: PMC8962531

Labcorp Genetics (formerly Invitae), Labcorp
Classification: Uncertain significance for Arrhythmogenic right ventricular dysplasia 11. Last evaluated: 2022-09-22. Review status: criteria provided, single submitter. Criteria: Invitae Variant Classification Sherloc (09022015). Collection method: clinical testing. Allele origin: germline.
Comment: This sequence change replaces histidine, which is basic and polar, with glutamine, which is neutral and polar, at codon 804 of the DSC2 protein (p.His804Gln). This variant is not present in population databases (gnomAD no frequency). In summary, the available evidence is currently insufficient to determine the role of this variant in disease. Therefore, it has been classified as a Variant of Uncertain Significance. This variant has not been reported in the literature in individuals affected with DSC2-related conditions. ClinVar contains an entry for this variant (Variation ID: 917649). Advanced modeling of protein sequence and biophysical properties (such as structural, functional, and spatial information, amino acid conservation, physicochemical variation, residue mobility, and thermodynamic stability) performed at Invitae indicates that this missense variant is not expected to disrupt DSC2 protein function.

Women's Health and Genetics/Laboratory Corporation of America, LabCorp
Classification: Uncertain significance. Last evaluated: 2020-01-13. Review status: criteria provided, single submitter. Criteria: LabCorp Variant Classification Summary - May 2015. Collection method: clinical testing. Allele origin: germline.
Comment: Variant summary: DSC2 c.2412C>A (p.His804Gln) results in a non-conservative amino acid change in the encoded protein sequence. Three of five in-silico tools predict a damaging effect of the variant on protein function. The variant was absent in 251260 control chromosomes (gnomAD). The available data on variant occurrences in the general population are insufficient to allow any conclusion about variant significance. To our knowledge, no occurrence of c.2412C>A in individuals affected with Cardiomyopathy and no experimental evidence demonstrating its impact on protein function have been reported. No clinical diagnostic laboratories have submitted clinical-significance assessments for this variant to ClinVar after 2014. Based on the evidence outlined above, the variant was classified as uncertain significance.

NM_024422.6(DSC2):c.2412C>A (p.His804Gln)

Gene: DSC2 (desmocollin 2; minus strand). Cytogenetic location: 18q12.1.
Variant type: single nucleotide variant.
Coding change: c.2412C>A on transcript NM_024422.6 (MANE Select); coding-DNA position 2412, C replaced by A.
Protein change: p.His804Gln; replaces histidine 804 with glutamine.
Molecular consequence: missense variant.
Genome position (GRCh38, 1-based): chr18:31,068,990, G>T on the plus strand (C>A on the coding strand, the complement: DSC2 is on the minus strand). VCF-style: chr18-31068990-G-T. GRCh37 (hg19) VCF-style: chr18-28648956-G-T.
Other names: c.2412C>A, p.His804Gln (NM_004949.5); short protein forms H804Q.
Identifiers: ClinVar variation 917649 (VCV000917649.6), dbSNP rs1986728077, ClinGen allele CA402111331.